The following is an entry in ClinVar:

NM_000051.4(ATM):c.8921C>T (p.Pro2974Leu)

Genes: ATM (ATM serine/threonine kinase; plus strand), C11orf65 (chromosome 11 open reading frame 65; minus strand). Cytogenetic location: 11q22.3.
Variant type: single nucleotide variant.
Coding change: c.8921C>T on transcript NM_000051.4 (MANE Select); coding-DNA position 8921, C replaced by T.
Protein change: p.Pro2974Leu; replaces proline 2974 with leucine.
Molecular consequence: missense variant. On other transcripts: intron variant (2).
Genome position (GRCh38, 1-based): chr11:108,365,152, C>T. VCF-style: chr11-108365152-C-T. GRCh37 (hg19) VCF-style: chr11-108235879-C-T.
Other names: p.P2974L:CCG>CTG; p.Pro2974Leu; c.8921C>T, p.Pro2974Leu (NM_001351834.2); c.640+20768G>A (NM_001330368.2); c.694+20768G>A (NM_001351110.2); short protein forms P2974L.
Identifiers: ClinVar variation 135787 (VCV000135787.76), dbSNP rs139379666, ClinGen allele CA185963.

ClinVar aggregate classification (germline): Conflicting classifications of pathogenicity. Review status: criteria provided, conflicting classifications (1 of 4 stars). 20 submissions from 20 submitters: Uncertain significance (12); Benign (2); Likely benign (4). 2 of the submissions do not count toward it. Last evaluated 2026-04-20.

Conditions:
ATM-related disorder. Also called: ATM-related disorders; ATM-related condition.
Hereditary cancer-predisposing syndrome. Also called: Neoplastic Syndromes, Hereditary; Hereditary Cancer Syndrome; Tumor predisposition; Hereditary neoplastic syndrome. Identifiers: Orphanet 140162, MedGen C0027672, MeSH D009386, MONDO:0015356.
Breast and/or ovarian cancer. Identifiers: MedGen CN221562.
Familial cancer of breast. Also called: BREAST CANCER, FAMILIAL; hereditary breast carcinoma; Hereditary breast cancer. Identifiers: Orphanet 227535, MedGen C0346153, MONDO:0016419, OMIM 114480. Disease mechanism: loss of function.
Ataxia-telangiectasia syndrome (AT). Also called: Ataxia-telangiectasia, complementation group D; AT, COMPLEMENTATION GROUP C; Ataxia-telangiectasia; ATAXIA-TELANGIECTASIA, COMPLEMENTATION GROUP A; ATAXIA-TELANGIECTASIA, FRESNO VARIANT; Ataxia-telangiectasia, complementation group E. Identifiers: Orphanet 100, MedGen C0004135, MONDO:0008840, OMIM 208900.
Hereditary breast ovarian cancer syndrome. Also called: BRCA1- and BRCA2-Associated Hereditary Breast and Ovarian Cancer; Hereditary breast and ovarian cancer syndrome; Hereditary breast and ovarian cancer syndrome (HBOC); Hereditary breast and/or ovarian cancer syndrome; Hereditary breast and ovarian cancer; Breast and ovarian cancer. Identifiers: Orphanet 145, MedGen C0677776, MeSH D061325, MONDO:0003582. Disease mechanism: loss of function.
Malignant tumor of breast. Also called: Malignant breast neoplasm; Cancer breast. Identifiers: MedGen C0006142, MONDO:0007254. Disease mechanism: loss of function.

Allele frequency attached by ClinVar (database versions not stated): gnomAD 0.00006 and 0.00007; gnomAD exomes 0.00008 and 0.00010; TOPMed 0.00008; ExAC 0.00010; 1000 Genomes Project 30x 0.00016; ESP Exome Variant Server 0.00008; 1000 Genomes Project 0.00020.
gnomAD v4.1: 158 of 1,614,118 alleles (0.0098%); highest among the groups gnomAD compares: East Asian, 0.23%; no homozygotes.

Submissions 1 to 14 of 20:

PreventionGenetics, part of Exact Sciences
Classification: Likely benign for ATM-related condition. Last evaluated: 2026-04-20. Review status: criteria provided, single submitter. Criteria: ACMG Guidelines, 2015. Collection method: clinical testing. Allele origin: germline.
Comment: This variant is classified as likely benign based on ACMG/AMP sequence variant interpretation guidelines (Richards et al. 2015 PMID: 25741868, with internal and published modifications).

Labcorp Genetics (formerly Invitae), Labcorp
Classification: Benign for Ataxia-telangiectasia syndrome. Last evaluated: 2026-02-03. Review status: criteria provided, single submitter. Criteria: Invitae Variant Classification Sherloc (09022015). Collection method: clinical testing. Allele origin: germline.

Center for Genomic Medicine, Rigshospitalet, Copenhagen University Hospital
Classification: Uncertain significance. Last evaluated: 2025-12-29. Review status: criteria provided, single submitter. Criteria: ACMG Guidelines, 2015. Collection method: clinical testing. Allele origin: germline.

Women's Health and Genetics/Laboratory Corporation of America, LabCorp
Classification: Uncertain significance. Last evaluated: 2025-11-25. Review status: criteria provided, single submitter. Criteria: LabCorp Variant Classification Summary - May 2015. Collection method: clinical testing. Allele origin: germline.
Comment: Variant summary: ATM c.8921C>T (p.Pro2974Leu) results in a non-conservative amino acid change located in the Phosphatidylinositol 3-/4-kinase, catalytic domain (IPR000403) of the encoded protein sequence. Algorithms developed to predict the effect of missense changes on protein structure and function are either unavailable or do not agree on the potential impact of this missense change. The variant allele was found at a frequency of 9.9e-05 in 1632190 control chromosomes, predominantly at a frequency of 0.0023 within the East Asian subpopulation in the gnomAD database. The variant was reported in some East Asian subpopulations with an even higher allele frequency, e.g. in the Japanese, with an allele frequency of 0.0044 (in the jMorp database). The observed variant frequency within East Asian control individuals in the gnomAD database is approximately 2.3 fold of the estimated maximal expected allele frequency for a pathogenic variant in ATM causing Breast Cancer phenotype (0.001), strongly suggesting that the variant is a benign polymorphism found primarily in populations of East Asian origin. In addition, this variant has also been reported in 2/2559 African American women who were older than age 70 and cancer free (in the FLOSSIES database). c.8921C>T has been reported in the literature in individuals affected with Breast Cancer (BrC) and other tumor phenotypes. These reports do not provide unequivocal conclusions about association of the variant with Breast Cancer/Ataxia Telangiectasia. Two recent case-control association studies involving breast cancer patients and controls of Japanese ancestry found that the variant is not associated with a significant increase in breast/ovarian cancer risk, and therefore the authors of this study classified the variant as benign (Momozawa_2018, Fujita_2020). However, another recent case-control association study, involving breast cancer patients and controls of Chinese ancestry (Guo_2019), found an enrichment of this variant in cases, suggesting this variant could be associated with a risk for late onset BrC, though no statistically significant enrichment of this variant was observed in early-onset BrC patients (<45 years old). These report(s) do not provide unequivocal conclusions about association of the variant with Breast Cancer. Multiple publications report conflicting experimental evidence evaluating an impact on protein function. The most pronounced variant effect suggest a partial loss of ATM activity and a dominant-negative effect of the repair ability of this p.Pro2974Leu variant in ATM has been proposed (Oguchi_2003, Guo_2019). Due to a lack of complete loss of activity, the correlation of these findings to the in-vivo mechanism of disease remains unclear. The following publications have been ascertained in the context of this evaluation (PMID: 33309985, 32601921, 31160347, 23555315, 24326041, 15696190, 26689913, 30287823, 12511424, 20232390, 12969974, 28652578, 40405108). ClinVar contains an entry for this variant (Variation ID: 135787). Based on the evidence outlined above, the variant was classified as uncertain significance.

GeneDx
Classification: Uncertain significance. Last evaluated: 2025-03-26. Review status: criteria provided, single submitter. Criteria: GeneDx Variant Classification Process June 2021. Collection method: clinical testing. Allele origin: germline. Affected: yes.
Comment: Observed in individuals with breast, ovarian, colorectal, biliary, or pancreatic cancer, but also in unaffected controls (PMID: 24326041, 28726808, 29522266, 32091409, 33309985, 34326862, 36243179); Published functional studies demonstrate mRNA expression levels equivalent to wild type, lower repair efficiency after DNA damage, partial loss of homologous recombination repair activity, and reduction in phosphorylation activity (PMID: 12511424, 31160347); In silico analysis supports that this missense variant has a deleterious effect on protein structure/function; This variant is associated with the following publications: (PMID: 24326041, 23636326, 28652578, 32566746, 32601921, 33309985, 14628072, 12969974, 12511424, 28873162, 26991699, 23555315, 1806608, 16941484, 29522266, 31160347, 30287823, 26689913, 20232390, 34426522, 11185744, 10923033, 15696190, 32980694, 32091409, 28726808, 33471991, 34326862, 36243179, 23532176)

Molecular Pathology, Peter Maccallum Cancer Centre
Classification: Uncertain significance for Ataxia-telangiectasia syndrome. Last evaluated: 2025-01-28. Review status: criteria provided, single submitter. Criteria: ACMG Guidelines, 2015. Collection method: clinical testing. Allele origin: germline. Inheritance: Autosomal recessive inheritance.

Color Diagnostics, LLC DBA Color Health
Classification: Benign for Hereditary cancer-predisposing syndrome. Last evaluated: 2024-09-18. Review status: criteria provided, single submitter. Criteria: ACMG Guidelines, 2015. Collection method: clinical testing. Allele origin: germline.

Blueprint Genetics
Classification: Likely benign. Last evaluated: 2024-07-12. Review status: criteria provided, single submitter. Criteria: ACMG Guidelines, 2015. Collection method: clinical testing. Allele origin: germline.

Ambry Genetics
Classification: Likely benign for Hereditary cancer-predisposing syndrome. Last evaluated: 2024-05-31. Review status: criteria provided, single submitter. Criteria: Ambry Variant Classification Scheme 2023. Collection method: clinical testing. Allele origin: germline.

Quest Diagnostics Nichols Institute San Juan Capistrano
Classification: Uncertain significance. Last evaluated: 2024-02-20. Review status: criteria provided, single submitter. Criteria: Quest Diagnostics criteria. Collection method: clinical testing. Allele origin: unknown.

Fulgent Genetics
Classification: Uncertain significance for Familial cancer of breast; Ataxia-telangiectasia syndrome. Last evaluated: 2024-01-05. Review status: criteria provided, single submitter. Criteria: ACMG Guidelines, 2015. Collection method: clinical testing. Allele origin: germline.

Mayo Clinic Laboratories, Mayo Clinic
Classification: Uncertain significance. Last evaluated: 2023-05-02. Review status: criteria provided, single submitter. Criteria: ACMG Guidelines, 2015. Collection method: clinical testing. Allele origin: germline. Observed: 6 variant alleles.
Comment: BP4

Revvity Omics, Revvity
Classification: Uncertain significance for Ataxia-telangiectasia syndrome. Last evaluated: 2022-09-25. Review status: criteria provided, single submitter. Criteria: ACMG Guidelines, 2015. Collection method: clinical testing. Allele origin: germline.

CHEO Genetics Diagnostic Laboratory, Children's Hospital of Eastern Ontario
Classification: Uncertain significance for Breast and/or ovarian cancer. Last evaluated: 2022-09-14. Review status: criteria provided, single submitter. Criteria: ACMG Guidelines, 2015. Collection method: clinical testing. Allele origin: germline.